The following is an entry in ClinVar:

ClinVar aggregate classification (germline): Uncertain significance. Review status: criteria provided, multiple submitters, no conflicts (2 of 4 stars). 2 submissions from 2 submitters: Uncertain significance (2). Last evaluated 2023-11-15.

Conditions:
Hereditary nonpolyposis colorectal neoplasms. Identifiers: MedGen C0009405, MeSH D003123.
Hereditary cancer-predisposing syndrome. Also called: Tumor predisposition; Hereditary Cancer Syndrome; Neoplastic Syndromes, Hereditary; Hereditary neoplastic syndrome. Identifiers: Orphanet 140162, MedGen C0027672, MeSH D009386, MONDO:0015356.

gnomAD v4.1: 1 of 1,590,894 alleles (0.000063%); no homozygotes.

Submissions (2):

Ambry Genetics
Classification: Uncertain significance for Hereditary cancer-predisposing syndrome. Last evaluated: 2023-11-15. Review status: criteria provided, single submitter. Criteria: Ambry Variant Classification Scheme 2023. Collection method: clinical testing. Allele origin: germline.
Comment: The p.E308A variant (also known as c.923A>C), located in coding exon 9 of the PMS2 gene, results from an A to C substitution at nucleotide position 923. The glutamic acid at codon 308 is replaced by alanine, an amino acid with dissimilar properties. This amino acid position is highly conserved in available vertebrate species. In addition, this alteration is predicted to be deleterious by in silico analysis. Since supporting evidence is limited at this time, the clinical significance of this alteration remains unclear.

Labcorp Genetics (formerly Invitae), Labcorp
Classification: Uncertain significance for Hereditary nonpolyposis colorectal neoplasms. Last evaluated: 2023-08-09. Review status: criteria provided, single submitter. Criteria: Invitae Variant Classification Sherloc (09022015). Collection method: clinical testing. Allele origin: germline.
Comment: In summary, the available evidence is currently insufficient to determine the role of this variant in disease. Therefore, it has been classified as a Variant of Uncertain Significance. Advanced modeling of protein sequence and biophysical properties (such as structural, functional, and spatial information, amino acid conservation, physicochemical variation, residue mobility, and thermodynamic stability) performed at Invitae indicates that this missense variant is expected to disrupt PMS2 protein function. ClinVar contains an entry for this variant (Variation ID: 823122). This variant has not been reported in the literature in individuals affected with PMS2-related conditions. This variant is not present in population databases (gnomAD no frequency). This sequence change replaces glutamic acid, which is acidic and polar, with alanine, which is neutral and non-polar, at codon 308 of the PMS2 protein (p.Glu308Ala).

NM_000535.7(PMS2):c.923A>C (p.Glu308Ala)

Gene: PMS2 (PMS1 homolog 2, mismatch repair system component; minus strand). Cytogenetic location: 7p22.1.
Variant type: single nucleotide variant.
Coding change: c.923A>C on transcript NM_000535.7 (MANE Select); coding-DNA position 923, A replaced by C.
Protein change: p.Glu308Ala; replaces glutamic acid 308 with alanine.
Molecular consequence: missense variant. On other transcripts: 5 prime UTR variant (2), non-coding transcript variant (1).
Genome position (GRCh38, 1-based): chr7:5,992,038, T>G on the plus strand (A>C on the coding strand, the complement: PMS2 is on the minus strand). VCF-style: chr7-5992038-T-G. GRCh37 (hg19) VCF-style: chr7-6031669-T-G.
Other names: c.518A>C, p.Glu173Ala (NM_001322003.2, NM_001322004.2, NM_001322005.2 and 2 more transcripts); c.923A>C, p.Glu308Ala (NM_001322006.2, NM_001322014.2); c.605A>C, p.Glu202Ala (NM_001322007.2, NM_001322008.2); c.-11A>C (NM_001322011.2, NM_001322012.2); c.350A>C, p.Glu117Ala (NM_001322013.2); c.614A>C, p.Glu205Ala (NM_001322015.2); short protein forms E308A, E173A, E202A, E117A, E205A.
Identifiers: ClinVar variation 823122 (VCV000823122.10), dbSNP rs1305296572, ClinGen allele CA366743189.